The following is an entry in ClinVar:

ClinVar aggregate classification (germline): Uncertain significance. Review status: criteria provided, multiple submitters, no conflicts (2 of 4 stars). 2 submissions from 2 submitters: Uncertain significance (2). Last evaluated 2026-01-21.

Conditions:
Inborn genetic diseases. Identifiers: MedGen C0950123, MeSH D030342.

gnomAD v4.1: 3 of 1,613,938 alleles (0.00019%); highest among the groups gnomAD compares: African/African-American, 0.0013%; no homozygotes.

Submissions (2):

Ambry Genetics
Classification: Uncertain significance for Inborn genetic diseases. Last evaluated: 2026-01-21. Review status: criteria provided, single submitter. Criteria: Ambry Variant Classification Scheme 2023. Collection method: clinical testing. Allele origin: germline.

GeneDx
Classification: Uncertain significance. Last evaluated: 2024-12-10. Review status: criteria provided, single submitter. Criteria: GeneDx Variant Classification Process June 2021. Collection method: clinical testing. Allele origin: germline. Affected: yes.
Comment: Not observed at significant frequency in large population cohorts (gnomAD); In silico analysis supports that this missense variant has a deleterious effect on protein structure/function; Has not been previously published as pathogenic or benign to our knowledge

NM_007118.4(TRIO):c.5503C>T (p.Arg1835Trp)

Gene: TRIO (trio Rho guanine nucleotide exchange factor; plus strand). Cytogenetic location: 5p15.2.
Variant type: single nucleotide variant.
Coding change: c.5503C>T on transcript NM_007118.4 (MANE Select); coding-DNA position 5503, C replaced by T.
Protein change: p.Arg1835Trp; replaces arginine 1835 with tryptophan.
Molecular consequence: missense variant. On other transcripts: non-coding transcript variant (1).
Genome position (GRCh38, 1-based): chr5:14,462,761, C>T. VCF-style: chr5-14462761-C-T. GRCh37 (hg19) VCF-style: chr5-14462870-C-T.
Other names: short protein forms R1835W.
Identifiers: ClinVar variation 3902952 (VCV003902952.2).